The following is an entry in ClinVar:

ClinVar aggregate classification (germline): Uncertain significance (1 of 4 stars; one submission).

gnomAD v4.1: 1 of 1,614,072 alleles (0.000062%); highest among the groups gnomAD compares: Non-Finnish European, 0.000085%; no homozygotes.

Submission:

Mayo Clinic Laboratories, Mayo Clinic
Classification: Uncertain significance. Last evaluated: 2023-12-27. Review status: criteria provided, single submitter. Criteria: ACMG Guidelines, 2015. Collection method: clinical testing. Allele origin: germline. Observed: 1 variant allele.
Comment: BP4, PP2, PM2_moderate

NM_001098.3(ACO2):c.91A>G (p.Lys31Glu)

Gene: ACO2 (aconitase 2; plus strand). Cytogenetic location: 22q13.2.
Variant type: single nucleotide variant.
Coding change: c.91A>G on transcript NM_001098.3 (MANE Select); coding-DNA position 91, A replaced by G.
Protein change: p.Lys31Glu; replaces lysine 31 with glutamic acid.
Molecular consequence: missense variant.
Genome position (GRCh38, 1-based): chr22:41,499,780, A>G. VCF-style: chr22-41499780-A-G. GRCh37 (hg19) VCF-style: chr22-41895784-A-G.
Other names: p.Lys31Glu; short protein forms K31E.
Identifiers: ClinVar variation 3380725 (VCV003380725.1).